The following is an entry in ClinVar:

ClinVar aggregate classification (germline): Conflicting classifications of pathogenicity. Review status: criteria provided, conflicting classifications (1 of 4 stars). 2 submissions from 2 submitters: Uncertain significance (1); Likely benign (1). Last evaluated 2025-08-26.

Conditions:
Genitopatellar syndrome (GTPTS). Also called: Genitopatellar syndrome (GPS); ABSENT PATELLAE, SCROTAL HYPOPLASIA, RENAL ANOMALIES, FACIAL DYSMORPHISM, AND MENTAL RETARDATION. Identifiers: Orphanet 85201, MedGen C1853566, MONDO:0011640, OMIM 606170.
Inborn genetic diseases. Identifiers: MedGen C0950123, MeSH D030342.

Allele frequency attached by ClinVar (database versions not stated): gnomAD 0.00001; TOPMed 0.00001; gnomAD exomes 0.00002; ExAC 0.00005.

Submissions (3):

Ambry Genetics
Classification: Likely benign for Inborn genetic diseases. Last evaluated: 2025-08-26. Review status: criteria provided, single submitter. Criteria: Ambry Variant Classification Scheme 2023. Collection method: clinical testing. Allele origin: germline.

Labcorp Genetics (formerly Invitae), Labcorp
Classification: Uncertain significance for Genitopatellar syndrome. Last evaluated: 2025-05-01. Review status: criteria provided, single submitter. Criteria: Invitae Variant Classification Sherloc (09022015). Collection method: clinical testing. Allele origin: germline.
Comment: This sequence change replaces methionine, which is neutral and non-polar, with valine, which is neutral and non-polar, at codon 1889 of the KAT6B protein (p.Met1889Val). This variant is present in population databases (rs781631671, gnomAD 0.006%). This variant has not been reported in the literature in individuals affected with KAT6B-related conditions. ClinVar contains an entry for this variant (Variation ID: 2178850). An algorithm developed to predict the effect of missense changes on protein structure and function (PolyPhen-2) suggests that this variant is likely to be disruptive. In summary, the available evidence is currently insufficient to determine the role of this variant in disease. Therefore, it has been classified as a Variant of Uncertain Significance.

Dr. Peter K. Rogan Lab, Western University
No classification provided (evidence only). Condition: Hepatocellular carcinoma. Review status: no classification provided. Collection method: in vitro. Allele origin: not applicable. Functional consequence: retained intron. Not counted in ClinVar's aggregate classification.

NM_012330.4(KAT6B):c.5665A>G (p.Met1889Val)

Gene: KAT6B (lysine acetyltransferase 6B; plus strand). Cytogenetic location: 10q22.2.
Variant type: single nucleotide variant.
Coding change: c.5665A>G on transcript NM_012330.4 (MANE Select); coding-DNA position 5665, A replaced by G.
Protein change: p.Met1889Val; replaces methionine 1889 with valine.
Molecular consequence: missense variant.
Genome position (GRCh38, 1-based): chr10:75,030,489, A>G. VCF-style: chr10-75030489-A-G. GRCh37 (hg19) VCF-style: chr10-76790247-A-G.
Other names: c.5116A>G, p.Met1706Val (NM_001256468.2, NM_001370138.1); c.4789A>G, p.Met1597Val (NM_001256469.2, NM_001370139.1, NM_001370140.1 and 2 more transcripts); c.4627A>G, p.Met1543Val (NM_001370132.1); c.3976A>G, p.Met1326Val (NM_001370133.1); c.3580A>G, p.Met1194Val (NM_001370134.1); c.3322A>G, p.Met1108Val (NM_001370135.1); c.5665A>G, p.Met1889Val (NM_001370136.1, NM_001370137.1); c.4600A>G, p.Met1534Val (NM_001370143.1, NM_001370144.1); and 1 more; short protein forms M1108V, M1326V, M1597V, M1706V, M1194V, M1889V, M1534V, M1543V.
Identifiers: ClinVar variation 2178850 (VCV002178850.6), dbSNP rs781631671, ClinGen allele CA5565234.